The following is an entry in ClinVar:

ClinVar aggregate classification (germline): Uncertain significance. Review status: criteria provided, multiple submitters, no conflicts (2 of 4 stars). 2 submissions from 2 submitters: Uncertain significance (2). Last evaluated 2025-10-27.

Conditions:
Gastrointestinal stromal tumor. Also called: Gastrointestinal stroma tumor; Gastrointestinal stromal tumor, somatic. Identifiers: Orphanet 44890, MedGen C0238198, MeSH D046152, MONDO:0011719, OMIM 606764, HP:0100723.
Hereditary cancer-predisposing syndrome. Also called: Tumor predisposition; Hereditary neoplastic syndrome; Hereditary Cancer Syndrome; Neoplastic Syndromes, Hereditary. Identifiers: Orphanet 140162, MedGen C0027672, MeSH D009386, MONDO:0015356.

Allele frequency attached by ClinVar (database versions not stated): gnomAD exomes below 0.00001.
gnomAD v4.1: 2 of 1,606,608 alleles (0.00012%); highest among the groups gnomAD compares: East Asian, 0.0022%; no homozygotes.

Submissions (2):

Labcorp Genetics (formerly Invitae), Labcorp
Classification: Uncertain significance for Gastrointestinal stromal tumor. Last evaluated: 2025-10-27. Review status: criteria provided, single submitter. Criteria: Invitae Variant Classification Sherloc (09022015). Collection method: clinical testing. Allele origin: germline.
Comment: This sequence change replaces threonine, which is neutral and polar, with asparagine, which is neutral and polar, at codon 894 of the PDGFRA protein (p.Thr894Asn). This variant is present in population databases (no rsID available, gnomAD 0.003%). This variant has not been reported in the literature in individuals affected with PDGFRA-related conditions. ClinVar contains an entry for this variant (Variation ID: 528596). Invitae Evidence Modeling of protein sequence and biophysical properties (such as structural, functional, and spatial information, amino acid conservation, physicochemical variation, residue mobility, and thermodynamic stability) indicates that this missense variant is not expected to disrupt PDGFRA protein function with a negative predictive value of 80%. In summary, the available evidence is currently insufficient to determine the role of this variant in disease. Therefore, it has been classified as a Variant of Uncertain Significance.

Ambry Genetics
Classification: Uncertain significance for Hereditary cancer-predisposing syndrome. Last evaluated: 2023-12-17. Review status: criteria provided, single submitter. Criteria: Ambry Variant Classification Scheme 2023. Collection method: clinical testing. Allele origin: germline.
Comment: The p.T894N variant (also known as c.2681C>A), located in coding exon 19 of the PDGFRA gene, results from a C to A substitution at nucleotide position 2681. The threonine at codon 894 is replaced by asparagine, an amino acid with similar properties. This amino acid position is conserved. In addition, the in silico prediction for this alteration is inconclusive. Since supporting evidence is limited at this time, the clinical significance of this alteration remains unclear.

NM_006206.6(PDGFRA):c.2681C>A (p.Thr894Asn)

Gene: PDGFRA (platelet derived growth factor receptor alpha; plus strand). Cytogenetic location: 4q12.
Variant type: single nucleotide variant.
Coding change: c.2681C>A on transcript NM_006206.6 (MANE Select); coding-DNA position 2681, C replaced by A.
Protein change: p.Thr894Asn; replaces threonine 894 with asparagine.
Molecular consequence: missense variant.
Genome position (GRCh38, 1-based): chr4:54,288,805, C>A. VCF-style: chr4-54288805-C-A. GRCh37 (hg19) VCF-style: chr4-55154972-C-A.
Other names: c.2756C>A, p.Thr919Asn (NM_001347828.2); c.2681C>A, p.Thr894Asn (NM_001347829.2); c.2720C>A, p.Thr907Asn (NM_001347830.2); short protein forms T894N, T907N, T919N.
Identifiers: ClinVar variation 528596 (VCV000528596.13), dbSNP rs1194156035, ClinGen allele CA356895408.